The following is an entry in ClinVar:

NM_022436.3(ABCG5):c.1217G>A (p.Arg406Gln)

Genes: ABCG5 (ATP binding cassette subfamily G member 5; minus strand), DYNC2LI1 (dynein cytoplasmic 2 light intermediate chain 1; plus strand). Cytogenetic location: 2p21.
Variant type: single nucleotide variant.
Coding change: c.1217G>A on transcript NM_022436.3 (MANE Select); coding-DNA position 1217, G replaced by A.
Protein change: p.Arg406Gln; replaces arginine 406 with glutamine.
Molecular consequence: missense variant. On other transcripts: intron variant (2).
Genome position (GRCh38, 1-based): chr2:43,824,020, C>T on the plus strand (G>A on the coding strand, the complement: ABCG5 is on the minus strand). VCF-style: chr2-43824020-C-T. GRCh37 (hg19) VCF-style: chr2-44051159-C-T.
Other names: c.1217G>A (NM_022436.2); c.*16-3366C>T (NM_001348913.2, NM_001348912.2); short protein forms R406Q.
Identifiers: ClinVar variation 2438774 (VCV002438774.9), dbSNP rs375364242, ClinGen allele CA1636363.

ClinVar aggregate classification (germline): Conflicting classifications of pathogenicity. Review status: criteria provided, conflicting classifications (1 of 4 stars). 5 submissions from 5 submitters: Pathogenic (1); Likely pathogenic (1); Uncertain significance (3). Last evaluated 2025-11-13.

Conditions:
Sitosterolemia (STSL). Also called: PHYTOSTEROLEMIA. Identifiers: Orphanet 2882, MedGen C0342907, MONDO:0008863.
Sitosterolemia 2. Identifiers: MedGen C5231453, MONDO:0020748, OMIM 618666.
ABCG5-related disorder. Also called: ABCG5-related condition.

Allele frequency attached by ClinVar (database versions not stated): ESP Exome Variant Server 0.00008; gnomAD 0.00001; TOPMed 0.00002; ExAC 0.00004.
gnomAD v4.1: 15 of 1,614,034 alleles (0.00093%); highest among the groups gnomAD compares: Admixed American, 0.0033%; no homozygotes.

Submissions (5):

Dasa
Classification: Likely pathogenic. Last evaluated: 2025-11-13. Review status: criteria provided, single submitter. Criteria: DASA Assertion Criteria. Collection method: clinical testing. Allele origin: germline.
Comment: NM_022436.3(ABCG5):c.1217G>A (p.Arg406Gln) is a missense variant that results in the substitution of arginine with glutamine. The affected residue or protein region has prior evidence supporting clinical relevance. This variant has been recurrently observed in individuals with ABCG5-related disorders (PMID: 32088153; PMID: 33217855; PMID: 40695672). Also, this variant is rare in population databases. Based on the currently available evidence, this variant is classified as likely pathogenic.

Labcorp Genetics (formerly Invitae), Labcorp
Classification: Pathogenic for Sitosterolemia. Last evaluated: 2025-11-04. Review status: criteria provided, single submitter. Criteria: Invitae Variant Classification Sherloc (09022015). Collection method: clinical testing. Allele origin: germline.
Comment: This sequence change replaces arginine, which is basic and polar, with glutamine, which is neutral and polar, at codon 406 of the ABCG5 protein (p.Arg406Gln). This variant is present in population databases (rs375364242, gnomAD 0.006%). This missense change has been observed in individual(s) with clinical features of sitosterolemia and/or sitosterolemia (PMID: 21664501, 32088153, 33217855, 38509578; internal data). In at least one individual the data is consistent with being in trans (on the opposite chromosome) from a pathogenic variant. ClinVar contains an entry for this variant (Variation ID: 2438774). An algorithm developed to predict the effect of missense changes on protein structure and function outputs the following: PolyPhen-2: "Benign". The glutamine amino acid residue is found in multiple mammalian species, which suggests that this missense change does not adversely affect protein function. Algorithms developed to predict the effect of sequence changes on RNA splicing suggest that this variant may disrupt the consensus splice site. For these reasons, this variant has been classified as Pathogenic.

Blueprint Genetics
Classification: Uncertain significance. Last evaluated: 2024-04-19. Review status: criteria provided, single submitter. Criteria: ACMG Guidelines, 2015. Collection method: clinical testing. Allele origin: germline.

PreventionGenetics, part of Exact Sciences
Classification: Uncertain significance for ABCG5-related condition. Last evaluated: 2023-09-08. Review status: criteria provided, single submitter. Criteria: ACMG Guidelines, 2015. Collection method: clinical testing. Allele origin: germline.
Comment: The ABCG5 c.1217G>A variant is predicted to result in the amino acid substitution p.Arg406Gln. This variant has been reported in the compound heterozygous state in at least two individuals with sitosterolemia (Keller et al. 2011. PubMed ID: 21664501; Mekchay et al. 2020. PubMed ID: 33217855). This variant was also identified in a patient with familial hypercholesterolemia (Reeskamp et al. 2020. PubMed ID: 32088153). This variant is reported in 0.0058% of alleles in individuals of Latino descent in gnomAD. Although we suspect that this variant may be pathogenic, at this time, the clinical significance of this variant is uncertain due to the absence of conclusive functional and genetic evidence.

Revvity Omics, Revvity
Classification: Uncertain significance for Sitosterolemia 2. Last evaluated: 2022-12-14. Review status: criteria provided, single submitter. Criteria: ACMG Guidelines, 2015. Collection method: clinical testing. Allele origin: germline.

Literature cited by the submitters: PubMed 33217855 (cited by Dasa and Labcorp Genetics (formerly Invitae), Labcorp); PubMed 32088153 (cited by Dasa and Labcorp Genetics (formerly Invitae), Labcorp); PubMed 40695672 (cited by Dasa); PubMed 21664501 (cited by Labcorp Genetics (formerly Invitae), Labcorp); PubMed 38509578 (cited by Labcorp Genetics (formerly Invitae), Labcorp).